The following is an entry in ClinVar:

ClinVar aggregate classification (germline): Benign/Likely benign. Review status: criteria provided, multiple submitters, no conflicts (2 of 4 stars). 4 submissions from 4 submitters: Benign (1); Likely benign (3). Last evaluated 2026-07-17.

Conditions:
Hereditary cancer-predisposing syndrome. Also called: Tumor predisposition; Neoplastic Syndromes, Hereditary; Hereditary Cancer Syndrome; Hereditary neoplastic syndrome. Identifiers: Orphanet 140162, MedGen C0027672, MeSH D009386, MONDO:0015356.
Rhabdoid tumor predisposition syndrome 2 (RTPS2). Identifiers: Orphanet 231108, Orphanet 69077, MedGen C2750074, MONDO:0013224, OMIM 613325.

Allele frequency attached by ClinVar (database versions not stated): ExAC 0.00005; gnomAD 0.00005; gnomAD exomes 0.00007.
gnomAD v4.1: 38 of 1,610,170 alleles (0.0024%); highest among the groups gnomAD compares: Non-Finnish European, 0.00017%; no homozygotes.

Submissions (4):

Myriad Genetics, Inc.
Classification: Benign for Rhabdoid tumor predisposition syndrome 2. Last evaluated: 2026-07-17. Review status: criteria provided, single submitter. Criteria: Myriad Autosomal Dominant, Autosomal Recessive and X-Linked Classification Criteria (2023). Collection method: clinical testing. Allele origin: unknown.
Comment: This variant is considered benign. This variant is a silent/synonymous amino acid change and it is not expected to impact splicing.

Labcorp Genetics (formerly Invitae), Labcorp
Classification: Likely benign for Rhabdoid tumor predisposition syndrome 2. Last evaluated: 2025-09-27. Review status: criteria provided, single submitter. Criteria: Invitae Variant Classification Sherloc (09022015). Collection method: clinical testing. Allele origin: germline.

Ambry Genetics
Classification: Likely benign for Hereditary cancer-predisposing syndrome. Last evaluated: 2018-09-27. Review status: criteria provided, single submitter. Criteria: Ambry Variant Classification Scheme 2023. Collection method: clinical testing. Allele origin: germline.

GeneDx
Classification: Likely benign. Last evaluated: 2017-10-25. Review status: criteria provided, single submitter. Criteria: GeneDx Variant Classification (06012015). Collection method: clinical testing. Allele origin: germline. Affected: yes.
Comment: This variant is considered likely benign or benign based on one or more of the following criteria: it is a conservative change, it occurs at a poorly conserved position in the protein, it is predicted to be benign by multiple in silico algorithms, and/or has population frequency not consistent with disease.

NM_003072.5(SMARCA4):c.4032C>A (p.Pro1344=)

Gene: SMARCA4 (SWI/SNF related BAF chromatin remodeling complex subunit ATPase 4; plus strand). Cytogenetic location: 19p13.2.
Variant type: single nucleotide variant.
Coding change: c.4032C>A on transcript NM_003072.5 (MANE Select); coding-DNA position 4032, C replaced by A.
Protein change: p.Pro1344=; no amino-acid change (proline 1344 retained).
Molecular consequence: synonymous variant. On other transcripts: non-coding transcript variant (1).
Genome position (GRCh38, 1-based): chr19:11,034,994, C>A. VCF-style: chr19-11034994-C-A. GRCh37 (hg19) VCF-style: chr19-11145670-C-A.
Other names: c.4032C>A, p.Pro1344= (NM_001128844.3, NM_001128849.3, NM_001387283.1); c.3933C>A, p.Pro1311= (NM_001128845.2, NM_001128846.2, NM_001128847.4 and 2 more transcripts).
Identifiers: ClinVar variation 470378 (VCV000470378.17), dbSNP rs745307333, ClinGen allele CA9204583.